The following is an entry in ClinVar:

ClinVar aggregate classification (germline): Uncertain significance (1 of 4 stars; one submission).

Allele frequency attached by ClinVar (database versions not stated): ExAC 0.00001.
gnomAD v4.1: 1 of 1,576,190 alleles (0.000063%); highest among the groups gnomAD compares: South Asian, 0.0012%; no homozygotes.

Submission:

Labcorp Genetics (formerly Invitae), Labcorp
Classification: Uncertain significance. Last evaluated: 2023-10-06. Review status: criteria provided, single submitter. Criteria: Invitae Variant Classification Sherloc (09022015). Collection method: clinical testing. Allele origin: germline.
Comment: This sequence change replaces glutamine, which is neutral and polar, with arginine, which is basic and polar, at codon 229 of the ALPK1 protein (p.Gln229Arg). This variant is not present in population databases (gnomAD no frequency). This variant has not been reported in the literature in individuals affected with ALPK1-related conditions. Advanced modeling of protein sequence and biophysical properties (such as structural, functional, and spatial information, amino acid conservation, physicochemical variation, residue mobility, and thermodynamic stability) performed at Invitae indicates that this missense variant is not expected to disrupt ALPK1 protein function. In summary, the available evidence is currently insufficient to determine the role of this variant in disease. Therefore, it has been classified as a Variant of Uncertain Significance.

NM_025144.4(ALPK1):c.686A>G (p.Gln229Arg)

Gene: ALPK1 (alpha kinase 1; plus strand). Cytogenetic location: 4q25.
Variant type: single nucleotide variant.
Coding change: c.686A>G on transcript NM_025144.4 (MANE Select); coding-DNA position 686, A replaced by G.
Protein change: p.Gln229Arg; replaces glutamine 229 with arginine.
Molecular consequence: missense variant.
Genome position (GRCh38, 1-based): chr4:112,426,530, A>G. VCF-style: chr4-112426530-A-G. GRCh37 (hg19) VCF-style: chr4-113347686-A-G.
Other names: c.686A>G, p.Gln229Arg (NM_001102406.2); c.452A>G, p.Gln151Arg (NM_001253884.2); short protein forms Q229R, Q151R.
Identifiers: ClinVar variation 2766451 (VCV002766451.3), dbSNP rs775969851, ClinGen allele CA3046516.